The following is an entry in ClinVar:

ClinVar aggregate classification (germline): Uncertain significance (1 of 4 stars; one submission).

Conditions:
Hereditary breast ovarian cancer syndrome. Also called: BRCA1- and BRCA2-Associated Hereditary Breast and Ovarian Cancer; Hereditary breast and ovarian cancer syndrome (HBOC); Hereditary breast and/or ovarian cancer syndrome; Hereditary breast and ovarian cancer syndrome; Hereditary breast and ovarian cancer; Breast and ovarian cancer. Identifiers: Orphanet 145, MedGen C0677776, MeSH D061325, MONDO:0003582. Disease mechanism: loss of function.

Submission:

Labcorp Genetics (formerly Invitae), Labcorp
Classification: Uncertain significance for Hereditary breast ovarian cancer syndrome. Last evaluated: 2022-09-04. Review status: criteria provided, single submitter. Criteria: Invitae Variant Classification Sherloc (09022015). Collection method: clinical testing. Allele origin: germline.
Comment: Advanced modeling of protein sequence and biophysical properties (such as structural, functional, and spatial information, amino acid conservation, physicochemical variation, residue mobility, and thermodynamic stability) performed at Invitae indicates that this missense variant is not expected to disrupt BRCA2 protein function. In summary, the available evidence is currently insufficient to determine the role of this variant in disease. Therefore, it has been classified as a Variant of Uncertain Significance. This variant has not been reported in the literature in individuals affected with BRCA2-related conditions. This variant is not present in population databases (gnomAD no frequency). This sequence change replaces isoleucine, which is neutral and non-polar, with valine, which is neutral and non-polar, at codon 3169 of the BRCA2 protein (p.Ile3169Val).

NM_000059.4(BRCA2):c.9505A>G (p.Ile3169Val)

Gene: BRCA2 (BRCA2 DNA repair associated; plus strand). Cytogenetic location: 13q13.1.
Variant type: single nucleotide variant.
Coding change: c.9505A>G on transcript NM_000059.4 (MANE Select); coding-DNA position 9505, A replaced by G.
Protein change: p.Ile3169Val; replaces isoleucine 3169 with valine.
Molecular consequence: missense variant.
Genome position (GRCh38, 1-based): chr13:32,396,901, A>G. VCF-style: chr13-32396901-A-G. GRCh37 (hg19) VCF-style: chr13-32971038-A-G.
Other names: c.9409A>G, p.Ile3137Val (NM_001406719.1); c.9454A>G, p.Ile3152Val (NM_001406720.1); c.4573A>G, p.Ile1525Val (NM_001406721.1); c.3088A>G, p.Ile1030Val (NM_001406722.1); short protein forms I1030V, I1525V, I3137V, I3152V, I3169V.
Identifiers: ClinVar variation 1718812 (VCV001718812.6), dbSNP rs2137658698, ClinGen allele CA387762833.